The following is an entry in ClinVar:

NM_000383.4(AIRE):c.1084G>T (p.Val362Leu)

Gene: AIRE (autoimmune regulator; plus strand). Cytogenetic location: 21q22.3.
Variant type: single nucleotide variant.
Coding change: c.1084G>T on transcript NM_000383.4 (MANE Select); coding-DNA position 1084, G replaced by T.
Protein change: p.Val362Leu; replaces valine 362 with leucine.
Molecular consequence: missense variant.
Genome position (GRCh38, 1-based): chr21:44,292,390, G>T. VCF-style: chr21-44292390-G-T. GRCh37 (hg19) VCF-style: chr21-45712273-G-T.
Other names: short protein forms V362L.
Identifiers: ClinVar variation 528305 (VCV000528305.11), dbSNP rs763954225, ClinGen allele CA10051914.

ClinVar aggregate classification (germline): Uncertain significance. Review status: criteria provided, multiple submitters, no conflicts (2 of 4 stars). 4 submissions from 4 submitters: Uncertain significance (3). 1 of the submissions does not count toward it. Last evaluated 2024-11-19.

Conditions:
Polyglandular autoimmune syndrome, type 1 (APS1). Also called: AUTOIMMUNE POLYENDOCRINE SYNDROME, TYPE I, WITH OR WITHOUT REVERSIBLE METAPHYSEAL DYSPLASIA; APS I; HYPOADRENOCORTICISM WITH HYPOPARATHYROIDISM AND SUPERFICIAL MONILIASIS; PGA I; Autoimmune polyendocrine syndrome type 1; Autoimmune polyendocrinopathy syndrome, type I. Identifiers: Orphanet 3453, MedGen C0085859, MONDO:0009411, OMIM 240300.

Allele frequency attached by ClinVar (database versions not stated): TOPMed 0.00006; ExAC 0.00011.
gnomAD v4.1: 26 of 1,554,024 alleles (0.0017%); highest among the groups gnomAD compares: Middle Eastern, 0.018%; no homozygotes.

Submissions (4):

Revvity Omics, Revvity
Classification: Uncertain significance for Polyglandular autoimmune syndrome, type 1. Last evaluated: 2024-11-19. Review status: criteria provided, single submitter. Criteria: ACMG Guidelines, 2015. Collection method: clinical testing. Allele origin: germline.

Labcorp Genetics (formerly Invitae), Labcorp
Classification: Uncertain significance for Polyglandular autoimmune syndrome, type 1. Last evaluated: 2024-11-11. Review status: criteria provided, single submitter. Criteria: Invitae Variant Classification Sherloc (09022015). Collection method: clinical testing. Allele origin: germline.
Comment: This sequence change replaces valine, which is neutral and non-polar, with leucine, which is neutral and non-polar, at codon 362 of the AIRE protein (p.Val362Leu). This variant is present in population databases (rs763954225, gnomAD 0.03%). This variant has not been reported in the literature in individuals affected with AIRE-related conditions. ClinVar contains an entry for this variant (Variation ID: 528305). Invitae Evidence Modeling of protein sequence and biophysical properties (such as structural, functional, and spatial information, amino acid conservation, physicochemical variation, residue mobility, and thermodynamic stability) indicates that this missense variant is not expected to disrupt AIRE protein function with a negative predictive value of 95%. In summary, the available evidence is currently insufficient to determine the role of this variant in disease. Therefore, it has been classified as a Variant of Uncertain Significance.

Department of Pathology and Laboratory Medicine, Sinai Health System
Classification: Uncertain significance for autoimmune polyendocrine syndrome type 1. Last evaluated: 2021-07-30. Review status: criteria provided, single submitter. Criteria: ACMG Guidelines, 2015. Collection method: research. Allele origin: germline.

Natera, Inc.
Classification: Uncertain significance for Polyglandular autoimmune syndrome type 1. Last evaluated: 2019-10-28. Review status: no assertion criteria provided. Collection method: clinical testing. Allele origin: germline. Not counted in ClinVar's aggregate classification.